The following is an entry in ClinVar:

NM_000038.6(APC):c.167_168del (p.Glu56fs)

Gene: APC (APC regulator of Wnt signaling pathway; plus strand). Cytogenetic location: 5q22.2.
Variant type: Deletion.
Coding change: c.167_168del on transcript NM_000038.6 (MANE Select); coding-DNA positions 167 to 168, 2 bases deleted (AA; older notation c.167_168delAA).
Protein change: p.Glu56fs; shifts the reading frame from glutamic acid 56.
Molecular consequence: frameshift variant. On other transcripts: 5 prime UTR variant (8), non-coding transcript variant (2).
Genome position (GRCh38, 1-based): chr5:112,766,357-112,766,358, AA deleted. VCF-style (leftmost placement, unchanged base first): chr5-112766356-GAA-G. GRCh37 (hg19) VCF-style: chr5-112102053-GAA-G.
Other names: c.167_168del, p.Glu56fs (NM_001127510.3, NM_001354895.2, NM_001354896.2 and 16 more transcripts); c.197_198del, p.Glu66fs (NM_001127511.3, NM_001354897.2, NM_001354902.2 and 1 more transcripts); c.92_93del, p.Glu31fs (NM_001354898.2, NM_001354904.2, NM_001407451.1); c.-11_-10del (NM_001354900.2, NM_001354901.2, NM_001354905.2 and 1 more transcripts); c.-869_-868del (NM_001354906.2, NM_001407470.1, NM_001407471.1 and 1 more transcripts); short protein forms E31fs, E56fs, E66fs.
Identifiers: ClinVar variation 2584036 (VCV002584036.2), dbSNP rs2532272257, ClinGen allele CA2582341289.

ClinVar aggregate classification (germline): Pathogenic (1 of 4 stars; one submission).

Conditions:
Familial adenomatous polyposis 1 (FAP1). Also called: FAMILIAL ADENOMATOUS POLYPOSIS 1, ATTENUATED; POLYPOSIS, ADENOMATOUS INTESTINAL. Identifiers: MedGen C2713442, MONDO:0021056, OMIM 175100. Disease mechanism: loss of function.

Submission:

Myriad Genetics, Inc.
Classification: Pathogenic for Familial adenomatous polyposis 1. Last evaluated: 2023-04-24. Review status: criteria provided, single submitter. Criteria: Myriad Autosomal Dominant, Autosomal Recessive and X-Linked Classification Criteria (2023). Collection method: clinical testing. Allele origin: unknown.
Comment: This variant is considered pathogenic. This variant creates a frameshift predicted to result in premature protein truncation.